The following is an entry in ClinVar:

ClinVar aggregate classification (germline): Likely pathogenic (1 of 4 stars; one submission).

Submission:

GeneDx
Classification: Likely pathogenic. Last evaluated: 2024-11-19. Review status: criteria provided, single submitter. Criteria: GeneDx Variant Classification Process June 2021. Collection method: clinical testing. Allele origin: germline. Affected: yes.
Comment: Frameshift variant predicted to result in protein truncation or nonsense mediated decay in a gene for which loss of function is a known mechanism of disease; Not observed at significant frequency in large population cohorts (gnomAD); Has not been previously published as pathogenic or benign to our knowledge

NM_015057.5(MYCBP2):c.8867_8868insG (p.Phe2957fs)

Gene: MYCBP2 (MYC binding protein 2; minus strand). Cytogenetic location: 13q22.3.
Variant type: Insertion.
Coding change: c.8867_8868insG on transcript NM_015057.5 (MANE Select); coding-DNA positions 8867 to 8868, G inserted.
Protein change: p.Phe2957fs; shifts the reading frame from phenylalanine 2957.
Molecular consequence: frameshift variant.
Genome position: GRCh38 VCF-style: chr13-77098286-T-TC. GRCh37 (hg19) VCF-style: chr13-77672421-T-TC.
Other names: short protein forms F2957fs.
Identifiers: ClinVar variation 3900389 (VCV003900389.1).